The following is an entry in ClinVar:

NM_000051.4(ATM):c.9092_9098delinsT (p.Gln3031_Asn3033delinsLeu)

Genes: ATM (ATM serine/threonine kinase; plus strand), C11orf65 (chromosome 11 open reading frame 65; minus strand). Cytogenetic location: 11q22.3.
Variant type: Indel.
Coding change: c.9092_9098delinsT on transcript NM_000051.4 (MANE Select); coding-DNA positions 9092 to 9098, AAGTGAA replaced by T.
Protein change: p.Gln3031_Asn3033delinsLeu.
Molecular consequence: inframe indel. On other transcripts: intron variant (2).
Genome position (GRCh38, 1-based): chr11:108,365,429-108,365,435, AAGTGAA replaced by T. VCF-style: chr11-108365429-AAGTGAA-T. GRCh37 (hg19) VCF-style: chr11-108236156-AAGTGAA-T.
Other names: c.9092_9098delinsT, p.Gln3031_Asn3033delinsLeu (NM_001351834.2); c.640+20485_640+20491delinsA (NM_001330368.2); c.694+20485_694+20491delinsA (NM_001351110.2).
Identifiers: ClinVar variation 524279 (VCV000524279.10), dbSNP rs1555151979, ClinGen allele CA658797747.

ClinVar aggregate classification (germline): Conflicting classifications of pathogenicity. Review status: criteria provided, conflicting classifications (1 of 4 stars). 3 submissions from 3 submitters: Likely pathogenic (1); Uncertain significance (2). Last evaluated 2024-06-07.

Conditions:
Familial cancer of breast. Also called: BREAST CANCER, FAMILIAL; Hereditary breast cancer; hereditary breast carcinoma. Identifiers: Orphanet 227535, MedGen C0346153, MONDO:0016419, OMIM 114480. Disease mechanism: loss of function.
Ataxia-telangiectasia syndrome (AT). Also called: Cerebello-oculocutaneous telangiectasia; Immunodeficiency with ataxia telangiectasia; Ataxia-telangiectasia, complementation group E; Ataxia-telangiectasia, complementation group D; AT, COMPLEMENTATION GROUP C; ATAXIA-TELANGIECTASIA, COMPLEMENTATION GROUP A. Identifiers: Orphanet 100, MedGen C0004135, MONDO:0008840, OMIM 208900.
Hereditary cancer-predisposing syndrome. Also called: Hereditary Cancer Syndrome; Neoplastic Syndromes, Hereditary; Tumor predisposition; Hereditary neoplastic syndrome. Identifiers: Orphanet 140162, MedGen C0027672, MeSH D009386, MONDO:0015356.

Submissions (3):

Ambry Genetics
Classification: Uncertain significance for Hereditary cancer-predisposing syndrome. Last evaluated: 2024-06-07. Review status: criteria provided, single submitter. Criteria: Ambry Variant Classification Scheme 2023. Collection method: clinical testing. Allele origin: germline.
Comment: The c.9092_9098delAAGTGAAinsT variant (also known as p.Q3031_N3033delinsL), located in coding exon 62 of the ATM gene, results from an in-frame deletion of AAGTGAA and insertion of T at nucleotide positions 9092 to 9098. This results in the deletion of three amino acids beginning at codon 3031 and replaced by a leucine residue at codon 3031. This amino acid region is highly conserved in available vertebrate species. In addition, this alteration is predicted to be deleterious by in silico analysis (Choi Y et al. PLoS ONE. 2012; 7(10):e46688). Since supporting evidence is limited at this time, the clinical significance of this alteration remains unclear.

Fulgent Genetics
Classification: Likely pathogenic for Familial cancer of breast; Ataxia-telangiectasia syndrome. Last evaluated: 2024-04-04. Review status: criteria provided, single submitter. Criteria: ACMG Guidelines, 2015. Collection method: clinical testing. Allele origin: germline.

Labcorp Genetics (formerly Invitae), Labcorp
Classification: Uncertain significance for Ataxia-telangiectasia syndrome. Last evaluated: 2019-04-02. Review status: criteria provided, single submitter. Criteria: Invitae Variant Classification Sherloc (09022015). Collection method: clinical testing. Allele origin: germline.
Comment: This complex variant, c.9092_9098delinsT, results in the deletion of 3 amino acids and the insertion of 1 amino acid to the ATM protein (p.Gln3031_Asn3033delinsLeu), but otherwise preserves the integrity of the reading frame. This variant is not present in population databases (ExAC no frequency). This variant has not been reported in the literature in individuals with ATM-related disease. Experimental studies and prediction algorithms are not available for this variant, and the functional significance of the disrupted amino acids is currently unknown. In summary, the available evidence is currently insufficient to determine the role of this variant in disease. Therefore, it has been classified as a Variant of Uncertain Significance.